The following is an entry in ClinVar:

NM_001127222.2(CACNA1A):c.7441G>A (p.Gly2481Arg)

Gene: CACNA1A (calcium voltage-gated channel subunit alpha1 A; minus strand). Cytogenetic location: 19p13.13.
Variant type: single nucleotide variant.
Coding change: c.7441G>A on transcript NM_001127222.2 (MANE Select); coding-DNA position 7441, G replaced by A.
Protein change: p.Gly2481Arg; replaces glycine 2481 with arginine.
Molecular consequence: missense variant. On other transcripts: 3 prime UTR variant (3).
Genome position (GRCh38, 1-based): chr19:13,207,393, C>T on the plus strand (G>A on the coding strand, the complement: CACNA1A is on the minus strand). VCF-style: chr19-13207393-C-T. GRCh37 (hg19) VCF-style: chr19-13318207-C-T.
Other names: c.7441G>A (NM_001127222.1); c.*653G>A (NM_000068.4, NM_001127221.2, NM_001174080.2 and 1 more transcripts); c.7459G>A, p.Gly2487Arg (NM_023035.3); short protein forms G2481R, G2487R.
Identifiers: ClinVar variation 1012929 (VCV001012929.40), dbSNP rs765523382, ClinGen allele CA9239159.

ClinVar aggregate classification (germline): Conflicting classifications of pathogenicity. Review status: criteria provided, conflicting classifications (1 of 4 stars). 4 submissions from 4 submitters: Uncertain significance (2); Likely benign (1). 1 of the submissions does not count toward it. Last evaluated 2026-03-17.

Conditions:
CACNA1A-related disorder. Also called: CACNA1A-related condition.
Episodic ataxia type 2 (EA2). Also called: CEREBELLAR ATAXIA, PAROXYSMAL, ACETAZOLAMIDE-RESPONSIVE; CEREBELLOPATHY, HEREDITARY PAROXYSMAL; EPISODIC ATAXIA, NYSTAGMUS-ASSOCIATED; ACETAZOLAMIDE-RESPONSIVE HEREDITARY PAROXYSMAL CEREBELLAR ATAXIA; ATAXIA, EPISODIC, WITH NYSTAGMUS; ATAXIA, FAMILIAL PAROXYSMAL. Identifiers: Orphanet 97, MedGen C1720416, MONDO:0007163, OMIM 108500.
Spinocerebellar ataxia type 6 (SCA6). Identifiers: Orphanet 98758, MedGen C0752124, MONDO:0008457, OMIM 183086.
Migraine, familial hemiplegic, 1. Also called: MIGRAINE, FAMILIAL HEMIPLEGIC 1, WITH PROGRESSIVE CEREBELLAR ATAXIA. Identifiers: Orphanet 569, MedGen C1832884, MONDO:0020756, OMIM 141500, MONDO:0007714.
Developmental and epileptic encephalopathy, 42 (DEE42A). Also called: Epileptic encephalopathy, early infantile, 42; DEVELOPMENTAL AND EPILEPTIC ENCEPHALOPATHY 42A; EPILEPTIC ENCEPHALOPATHY, EARLY INFANTILE, 42A. Identifiers: MedGen C4310716, MONDO:0014917, OMIM 617106.
Inborn genetic diseases. Identifiers: MedGen C0950123, MeSH D030342.

Allele frequency attached by ClinVar (database versions not stated): gnomAD exomes 0.00003 and 0.00014; gnomAD 0.00004 and 0.00005; TOPMed 0.00004; ExAC 0.00007; 1000 Genomes Project 30x 0.00016.
gnomAD v4.1: 48 of 1,540,300 alleles (0.0031%); highest among the groups gnomAD compares: Admixed American, 0.048%; no homozygotes.

Submissions (4):

Ambry Genetics
Classification: Likely benign for Inborn genetic diseases. Last evaluated: 2026-03-17. Review status: criteria provided, single submitter. Criteria: Ambry Variant Classification Scheme 2023. Collection method: clinical testing. Allele origin: germline.

CeGaT Center for Human Genetics Tuebingen
Classification: Uncertain significance. Last evaluated: 2024-07-01. Review status: criteria provided, single submitter. Criteria: CeGaT Center For Human Genetics Tuebingen Variant Classification Criteria Version 2. Collection method: clinical testing. Allele origin: germline. Affected: yes. Observed: 2 variant alleles.
Comment: CACNA1A: PP3

Fulgent Genetics
Classification: Uncertain significance for Episodic ataxia type 2; Migraine, familial hemiplegic, 1; Spinocerebellar ataxia type 6; Developmental and epileptic encephalopathy, 42. Last evaluated: 2021-09-28. Review status: criteria provided, single submitter. Criteria: ACMG Guidelines, 2015. Collection method: clinical testing. Allele origin: unknown.

PreventionGenetics, part of Exact Sciences
Classification: Likely benign for CACNA1A-related condition. Last evaluated: 2024-05-06. Review status: no assertion criteria provided. Collection method: clinical testing. Allele origin: germline. Not counted in ClinVar's aggregate classification.
Comment: This variant is classified as likely benign based on ACMG/AMP sequence variant interpretation guidelines (Richards et al. 2015 PMID: 25741868, with internal and published modifications).